The following is an entry in ClinVar:

NM_007294.4(BRCA1):c.4366A>G (p.Thr1456Ala)

Gene: BRCA1 (BRCA1 DNA repair associated; minus strand). Cytogenetic location: 17q21.31.
Variant type: single nucleotide variant.
Coding change: c.4366A>G on transcript NM_007294.4 (MANE Select); coding-DNA position 4366, A replaced by G.
Protein change: p.Thr1456Ala; replaces threonine 1456 with alanine.
Molecular consequence: missense variant. On other transcripts: non-coding transcript variant (1).
Genome position (GRCh38, 1-based): chr17:43,076,606, T>C on the plus strand (A>G on the coding strand, the complement: BRCA1 is on the minus strand). VCF-style: chr17-43076606-T-C. GRCh37 (hg19) VCF-style: chr17-41228623-T-C.
Other names: c.4153A>G, p.Thr1385Ala (NM_001407571.1, NM_001407894.1, NM_001407895.1 and 12 more transcripts); c.4432A>G, p.Thr1478Ala (NM_001407581.1, NM_001407582.1); c.4429A>G, p.Thr1477Ala (NM_001407583.1, NM_001407585.1, NM_001407587.1 and 1 more transcripts); c.4426A>G, p.Thr1476Ala (NM_001407590.1, NM_001407591.1); c.4366A>G, p.Thr1456Ala (NM_001407593.1, NM_001407594.1, NM_001407596.1 and 8 more transcripts); c.4363A>G, p.Thr1455Ala (NM_001407610.1, NM_001407611.1, NM_001407612.1 and 17 more transcripts); c.1054A>G, p.Thr352Ala (NM_001407982.1, NM_001407983.1, NM_001407984.1 and 13 more transcripts); c.4360A>G, p.Thr1454Ala (NM_001407627.1, NM_001407628.1, NM_001407629.1 and 14 more transcripts); and 68 more; short protein forms T1456A, T1409A, T1477A, T352A, T1159A, T1343A, T1384A, T1387A.
Identifiers: ClinVar variation 184974 (VCV000184974.10), dbSNP rs786201835, ClinGen allele CA002801.
Genomic context (GRCh38, chr17:43,076,606, plus strand): 5'-TGTCAGCAGAAAGGCCTTCTGGATTCTGGCTTATAGGGTATTCACTACTTTTCTGTGAAG[T>C]TAATACTGCTTTAAATGGAATGAGAAAACAAATCTACTTTACTGCTTTGTTCTGATAGTG-3'
Protein context (NP_009225.1, residues 1446-1466): EQSTSEKAVL[Thr1456Ala]SQKSSEYPIS

ClinVar aggregate classification (germline): Uncertain significance. Review status: criteria provided, multiple submitters, no conflicts (2 of 4 stars). 2 submissions from 2 submitters: Uncertain significance (2). Last evaluated 2025-11-02.

Conditions:
Hereditary cancer-predisposing syndrome. Also called: Hereditary neoplastic syndrome; Neoplastic Syndromes, Hereditary; Tumor predisposition; Hereditary Cancer Syndrome. Identifiers: Orphanet 140162, MedGen C0027672, MeSH D009386, MONDO:0015356.

Submissions (2):

Ambry Genetics
Classification: Uncertain significance for Hereditary cancer-predisposing syndrome. Last evaluated: 2025-11-02. Review status: criteria provided, single submitter. Criteria: Ambry Variant Classification Scheme 2023. Collection method: clinical testing. Allele origin: germline.
Comment: The p.T1456A variant (also known as c.4366A>G), located in coding exon 12 of the BRCA1 gene, results from an A to G substitution at nucleotide position 4366. The threonine at codon 1456 is replaced by alanine, an amino acid with similar properties. This nucleotide position is well conserved in available vertebrate species. This amino acid position is highly conserved in available vertebrate species. In addition, the in silico prediction for this alteration is inconclusive. Since supporting evidence is limited at this time, the clinical significance of this alteration remains unclear.

Color Diagnostics, LLC DBA Color Health
Classification: Uncertain significance for Hereditary cancer-predisposing syndrome. Last evaluated: 2020-11-16. Review status: criteria provided, single submitter. Criteria: ACMG Guidelines, 2015. Collection method: clinical testing. Allele origin: germline.
Comment: This missense variant replaces threonine with alanine at codon 1456 of the BRCA1 protein. Computational prediction suggests that this variant may not impact protein structure and function (internally defined REVEL score threshold <= 0.5, PMID: 27666373). To our knowledge, functional studies have not been reported for this variant. This variant has not been reported in individuals affected with hereditary cancer in the literature. This variant has not been identified in the general population by the Genome Aggregation Database (gnomAD). The available evidence is insufficient to determine the role of this variant in disease conclusively. Therefore, this variant is classified as a Variant of Uncertain Significance.